The following is an entry in ClinVar:

NM_058216.3(RAD51C):c.952G>A (p.Asp318Asn)

Gene: RAD51C (RAD51 paralog C; plus strand). Cytogenetic location: 17q22.
Variant type: single nucleotide variant.
Coding change: c.952G>A on transcript NM_058216.3 (MANE Select); coding-DNA position 952, G replaced by A.
Protein change: p.Asp318Asn; replaces aspartic acid 318 with asparagine.
Molecular consequence: missense variant. On other transcripts: non-coding transcript variant (1).
Genome position (GRCh38, 1-based): chr17:58,724,087, G>A. VCF-style: chr17-58724087-G-A. GRCh37 (hg19) VCF-style: chr17-56801448-G-A.
Other names: c.952G>A (NM_058216.1); short protein forms D318N.
Identifiers: ClinVar variation 566939 (VCV000566939.22), dbSNP rs876659875, ClinGen allele CA400361537.

ClinVar aggregate classification (germline): Conflicting classifications of pathogenicity. Review status: criteria provided, conflicting classifications (1 of 4 stars). 6 submissions from 6 submitters: Uncertain significance (5); Likely benign (1). Last evaluated 2026-05-05.

Conditions:
Hereditary cancer-predisposing syndrome. Also called: Neoplastic Syndromes, Hereditary; Tumor predisposition; Hereditary Cancer Syndrome; Hereditary neoplastic syndrome. Identifiers: Orphanet 140162, MedGen C0027672, MeSH D009386, MONDO:0015356.
Fanconi anemia complementation group O. Also called: RAD51C-Related Fanconi Anemia. Identifiers: Orphanet 84, MedGen C3150653, MONDO:0013248, OMIM 613390.

gnomAD v4.1: 1 of 1,612,706 alleles (0.000062%); highest among the groups gnomAD compares: Non-Finnish European, 0.000085%; no homozygotes.

Submissions (6):

Department of Clinical Genetics, Copenhagen University Hospital, Rigshospitalet
Classification: Uncertain significance for Hereditary cancer-predisposing syndrome. Last evaluated: 2026-05-05. Review status: criteria provided, single submitter. Criteria: ACMG Guidelines, 2015. Collection method: clinical testing. Allele origin: germline.
Comment: The following ACMG criteria has been used: PM2_SUP (reported once in gnomAD v.4.1); BP4 (REVEL score < 0.249). Functional data indicates that the variant does not affect the function of RAD51C (PMID:26261251)

Center for Genomic Medicine, Rigshospitalet, Copenhagen University Hospital
Classification: Uncertain significance. Last evaluated: 2025-12-29. Review status: criteria provided, single submitter. Criteria: ACMG Guidelines, 2015. Collection method: clinical testing. Allele origin: germline.

Color Diagnostics, LLC DBA Color Health
Classification: Uncertain significance for Hereditary cancer-predisposing syndrome. Last evaluated: 2025-11-18. Review status: criteria provided, single submitter. Criteria: ACMG Guidelines, 2015. Collection method: clinical testing. Allele origin: germline.
Comment: This missense variant replaces aspartic acid with asparagine at codon 318 of the RAD51C protein. Computational prediction suggests that this variant may not impact protein structure and function. To our knowledge, functional studies have not been reported for this variant. This variant has been reported in an individual affected with ovarian cancer (PMID: 26261251). This variant has been detected in a breast cancer case-control meta-analysis in 1/60466 cases and 1/53461 unaffected individuals (PMID: 33471991LOVD DB-ID RAD51C_000205). This variant has been identified in 1/1612706 chromosomes in the general population by the Genome Aggregation Database (gnomAD). The available evidence is insufficient to determine the role of this variant in disease conclusively. Therefore, this variant is classified as a Variant of Uncertain Significance.

Labcorp Genetics (formerly Invitae), Labcorp
Classification: Uncertain significance for Fanconi anemia complementation group O. Last evaluated: 2025-03-07. Review status: criteria provided, single submitter. Criteria: Invitae Variant Classification Sherloc (09022015). Collection method: clinical testing. Allele origin: germline.
Comment: This sequence change replaces aspartic acid, which is acidic and polar, with asparagine, which is neutral and polar, at codon 318 of the RAD51C protein (p.Asp318Asn). This variant is not present in population databases (gnomAD no frequency). This missense change has been observed in individual(s) with ovarian cancer (PMID: 26261251). ClinVar contains an entry for this variant (Variation ID: 566939). Invitae Evidence Modeling of protein sequence and biophysical properties (such as structural, functional, and spatial information, amino acid conservation, physicochemical variation, residue mobility, and thermodynamic stability) indicates that this missense variant is not expected to disrupt RAD51C protein function with a negative predictive value of 80%. In summary, the available evidence is currently insufficient to determine the role of this variant in disease. Therefore, it has been classified as a Variant of Uncertain Significance.

GeneDx
Classification: Uncertain significance. Last evaluated: 2024-06-30. Review status: criteria provided, single submitter. Criteria: GeneDx Variant Classification Process June 2021. Collection method: clinical testing. Allele origin: germline. Affected: yes.
Comment: Not observed at significant frequency in large population cohorts (gnomAD); In silico analysis indicates that this missense variant does not alter protein structure/function; Observed in an individual with ovarian cancer (PMID: 26261251); This variant is associated with the following publications: (PMID: 14704354, 26261251)

Ambry Genetics
Classification: Likely benign for Hereditary cancer-predisposing syndrome. Last evaluated: 2024-02-26. Review status: criteria provided, single submitter. Criteria: Ambry Variant Classification Scheme 2023. Collection method: clinical testing. Allele origin: germline.

Literature cited by the submitters: PubMed 26261251 (cited by 5 submitters); PubMed 33471991 (cited by Color Diagnostics, LLC DBA Color Health).